The following is an entry in ClinVar:

ClinVar aggregate classification (germline): Likely benign (0 of 4 stars; one submission).

Conditions:
TENM3-related disorder. Also called: TENM3-related condition.

Allele frequency attached by ClinVar (database versions not stated): ExAC 0.00003; gnomAD 0.00006; TOPMed 0.00006; ESP Exome Variant Server 0.00008.
gnomAD v4.1: 17 of 1,562,370 alleles (0.0011%); highest among the groups gnomAD compares: African/African-American, 0.02%; no homozygotes.

Submission:

PreventionGenetics, part of Exact Sciences
Classification: Likely benign for TENM3-related condition. Last evaluated: 2019-07-31. Review status: no assertion criteria provided. Collection method: clinical testing. Allele origin: germline.
Comment: This variant is classified as likely benign based on ACMG/AMP sequence variant interpretation guidelines (Richards et al. 2015 PMID: 25741868, with internal and published modifications).

NM_001080477.4(TENM3):c.1639+9G>T

Gene: TENM3 (teneurin transmembrane protein 3; plus strand). Cytogenetic location: 4q35.1.
Variant type: single nucleotide variant.
Coding change: c.1639+9G>T on transcript NM_001080477.4 (MANE Select); 9 bases into the intron after coding-DNA position 1639, G replaced by T.
Molecular consequence: intron variant.
Genome position (GRCh38, 1-based): chr4:182,680,358, G>T. VCF-style: chr4-182680358-G-T. GRCh37 (hg19) VCF-style: chr4-183601511-G-T.
Other names: c.1639+9G>T (NM_001415969.1, NM_001415971.1, NM_001415974.1 and 4 more transcripts); c.1360+9G>T (NM_001415976.1, NM_001415967.1, NM_001415977.1 and 1 more transcripts); c.823+9G>T (NM_001415960.1, NM_001415961.1, NM_001415962.1 and 2 more transcripts).
Identifiers: ClinVar variation 3035427 (VCV003035427.2), dbSNP rs374806517, ClinGen allele CA3147743.